The following is an entry in ClinVar:

ClinVar aggregate classification (germline): Benign/Likely benign. Review status: criteria provided, multiple submitters, no conflicts (2 of 4 stars). 9 submissions from 9 submitters: Benign (6); Likely benign (1). 2 of the submissions do not count toward it. Last evaluated 2026-02-02.

Conditions:
Cardiovascular phenotype. Identifiers: MedGen CN230736.
Long QT syndrome (LQTS). Identifiers: MedGen C0023976, MeSH D008133, MONDO:0002442. Disease mechanism: loss of function. Inheritance: Various modes of inheritance.
Long QT syndrome 12 (LQT12). Identifiers: Orphanet 101016, Orphanet 768, MedGen C2751830, MONDO:0013062, OMIM 612955.

Allele frequency attached by ClinVar (database versions not stated): gnomAD exomes 0.00235; ExAC 0.00274; gnomAD 0.00948 and 0.00876; TOPMed 0.00998; ESP Exome Variant Server 0.00884; 1000 Genomes Project 0.01138; 1000 Genomes Project 30x 0.01171.
gnomAD v4.1: 2,859 of 1,614,030 alleles (0.18%); highest among the groups gnomAD compares: African/African-American, 3%; 32 homozygotes.

Submissions (9):

Labcorp Genetics (formerly Invitae), Labcorp
Classification: Benign for Long QT syndrome. Last evaluated: 2026-02-02. Review status: criteria provided, single submitter. Criteria: Invitae Variant Classification Sherloc (09022015). Collection method: clinical testing. Allele origin: germline.

ARUP Laboratories, Molecular Genetics and Genomics, ARUP Laboratories
Classification: Benign for Long QT syndrome 12. Last evaluated: 2019-11-21. Review status: criteria provided, single submitter. Criteria: ARUP Molecular Germline Variant Investigation Process. Collection method: clinical testing. Allele origin: germline.

Women's Health and Genetics/Laboratory Corporation of America, LabCorp
Classification: Benign. Last evaluated: 2018-04-16. Review status: criteria provided, single submitter. Criteria: LabCorp Variant Classification Summary - May 2015. Collection method: clinical testing. Allele origin: germline.
Comment: Variant summary: SNTA1 c.555C>T alters a non-conserved nucleotide resulting in a synonymous change. The variant allele was found at a frequency of 0.0027 in 121272 control chromosomes in the ExAC database, including 2 homozygotes. The observed variant frequency is approximately 273.76 fold of the estimated maximal expected allele frequency for a pathogenic variant in SNTA1 causing Arrhythmia phenotype (1e-05), strongly suggesting that the variant is benign. To our knowledge, no occurrence of c.555C>T in individuals affected with Arrhythmia and no experimental evidence demonstrating its impact on protein function have been reported. Three clinical diagnostic laboratories have submitted clinical-significance assessments for this variant to ClinVar after 2014 without evidence for independent evaluation. All laboratories classified the variant as benign/likely benign. Based on the evidence outlined above, the variant was classified as benign.

Illumina Laboratory Services, Illumina
Classification: Benign for Long QT syndrome 12. Last evaluated: 2018-01-13. Review status: criteria provided, single submitter. Criteria: ICSL Variant Classification Criteria 13 December 2019. Collection method: clinical testing. Allele origin: germline.
Comment: This variant was observed in the ICSL laboratory as part of a predisposition screen in an ostensibly healthy population. It had not been previously curated by ICSL or reported in the Human Gene Mutation Database (HGMD: prior to June 1st, 2018), and was therefore a candidate for classification through an automated scoring system. Utilizing variant allele frequency, disease prevalence and penetrance estimates, and inheritance mode, an automated score was calculated to assess if this variant is too frequent to cause the disease. Based on the score and internal cut-off values, a variant classified as benign is not then subjected to further curation. The score for this variant resulted in a classification of benign for this disease.

Ambry Genetics
Classification: Benign for Cardiovascular phenotype. Last evaluated: 2016-01-06. Review status: criteria provided, single submitter. Criteria: Ambry Variant Classification Scheme 2023. Collection method: clinical testing. Allele origin: germline.

GeneDx
Classification: Benign. Last evaluated: 2015-03-03. Review status: criteria provided, single submitter. Criteria: GeneDx Variant Classification Process June 2021. Collection method: clinical testing. Allele origin: germline. Affected: yes.

Breakthrough Genomics
Classification: Likely benign. Review status: criteria provided, single submitter. Criteria: ACMG Guidelines, 2015. Collection method: not provided. Allele origin: germline. Inheritance: Autosomal dominant inheritance. Affected: yes.

Clinical Genetics, Academic Medical Center
Classification: Benign. Review status: no assertion criteria provided. Collection method: clinical testing. Allele origin: germline. Affected: yes. Study: VKGL Data-share Consensus. Not counted in ClinVar's aggregate classification.

Joint Genome Diagnostic Labs from Nijmegen and Maastricht, Radboudumc and MUMC+
Classification: Benign. Review status: no assertion criteria provided. Collection method: clinical testing. Allele origin: germline. Affected: yes. Study: VKGL Data-share Consensus. Not counted in ClinVar's aggregate classification.

NM_003098.3(SNTA1):c.555C>T (p.Val185=)

Gene: SNTA1 (syntrophin alpha 1; minus strand). Cytogenetic location: 20q11.21.
Variant type: single nucleotide variant.
Coding change: c.555C>T on transcript NM_003098.3 (MANE Select); coding-DNA position 555, C replaced by T.
Protein change: p.Val185=; no amino-acid change (valine 185 retained).
Molecular consequence: synonymous variant.
Genome position (GRCh38, 1-based): chr20:33,417,865, G>A on the plus strand (C>T on the coding strand, the complement: SNTA1 is on the minus strand). VCF-style: chr20-33417865-G-A. GRCh37 (hg19) VCF-style: chr20-32005671-G-A.
Identifiers: ClinVar variation 263425 (VCV000263425.33), dbSNP rs34995247, ClinGen allele CA9817193.